The following is an entry in ClinVar:

NM_001852.4(COL9A2):c.326C>T (p.Pro109Leu)

Genes: COL9A2 (collagen type IX alpha 2 chain; minus strand), LOC129930257 (ATAC-STARR-seq lymphoblastoid active region 840; plus strand). Cytogenetic location: 1p34.2.
Variant type: single nucleotide variant.
Coding change: c.326C>T on transcript NM_001852.4 (MANE Select); coding-DNA position 326, C replaced by T.
Protein change: p.Pro109Leu; replaces proline 109 with leucine.
Molecular consequence: missense variant.
Genome position (GRCh38, 1-based): chr1:40,312,587, G>A on the plus strand (C>T on the coding strand, the complement: COL9A2 is on the minus strand). VCF-style: chr1-40312587-G-A. GRCh37 (hg19) VCF-style: chr1-40778259-G-A.
Other names: short protein forms P109L.
Identifiers: ClinVar variation 3615377 (VCV003615377.2).
Genomic context (GRCh38, chr1:40,312,587, plus strand): 5'-CCCCTCTCCCCCAAGAGTCCCTCGAAGCCCTTGCAGGTTGTACTCACCGGAAGGCCAGGA[G>A]GACCAGGAAGCCCGGGCTGGCCCTGCAGAAGCAACGAGAAAGGCTCAGAGGCTGGGGTTT-3'
Protein context (NP_001843.1, residues 99-119): GVKGQPGLPG[Pro109Leu]PGLPGPGFAG

ClinVar aggregate classification (germline): Uncertain significance (1 of 4 stars; one submission).

gnomAD v4.1: 7 of 1,614,040 alleles (0.00043%); highest among the groups gnomAD compares: Admixed American, 0.0017%; no homozygotes.

Submission:

Labcorp Genetics (formerly Invitae), Labcorp
Classification: Uncertain significance. Last evaluated: 2025-11-22. Review status: criteria provided, single submitter. Criteria: Invitae Variant Classification Sherloc (09022015). Collection method: clinical testing. Allele origin: germline.
Comment: This sequence change replaces proline, which is neutral and non-polar, with leucine, which is neutral and non-polar, at codon 109 of the COL9A2 protein (p.Pro109Leu). This variant is present in population databases (rs771473898, gnomAD 0.003%). This variant has not been reported in the literature in individuals affected with COL9A2-related conditions. ClinVar contains an entry for this variant (Variation ID: 3615377). Invitae Evidence Modeling of protein sequence and biophysical properties (such as structural, functional, and spatial information, amino acid conservation, physicochemical variation, residue mobility, and thermodynamic stability) indicates that this missense variant is not expected to disrupt COL9A2 protein function with a negative predictive value of 95%. In summary, the available evidence is currently insufficient to determine the role of this variant in disease. Therefore, it has been classified as a Variant of Uncertain Significance.